The following is an entry in ClinVar:

ClinVar aggregate classification (germline): Uncertain significance (1 of 4 stars; one submission).

Conditions:
Hereditary spastic paraplegia 31. Also called: SPASTIC PARAPLEGIA 31, AUTOSOMAL DOMINANT. Identifiers: Orphanet 101011, MedGen C1853247, MONDO:0012453, OMIM 610250.

Submission:

Labcorp Genetics (formerly Invitae), Labcorp
Classification: Uncertain significance for Hereditary spastic paraplegia 31. Last evaluated: 2022-06-04. Review status: criteria provided, single submitter. Criteria: Invitae Variant Classification Sherloc (09022015). Collection method: clinical testing. Allele origin: germline.
Comment: ClinVar contains an entry for this variant (Variation ID: 840272). In summary, the available evidence is currently insufficient to determine the role of this variant in disease. Therefore, it has been classified as a Variant of Uncertain Significance. Algorithms developed to predict the effect of sequence changes on RNA splicing suggest that this variant may create or strengthen a splice site. Algorithms developed to predict the effect of missense changes on protein structure and function are either unavailable or do not agree on the potential impact of this missense change (SIFT: "Deleterious"; PolyPhen-2: "Probably Damaging"; Align-GVGD: "Class C0"). This variant has not been reported in the literature in individuals affected with REEP1-related conditions. This sequence change replaces serine, which is neutral and polar, with alanine, which is neutral and non-polar, at codon 97 of the REEP1 protein (p.Ser97Ala). This variant is not present in population databases (gnomAD no frequency).

NM_001371279.1(REEP1):c.289T>G (p.Ser97Ala)

Gene: REEP1 (receptor accessory protein 1; minus strand). Cytogenetic location: 2p11.2.
Variant type: single nucleotide variant.
Coding change: c.289T>G on transcript NM_001371279.1 (MANE Select); coding-DNA position 289, T replaced by G.
Protein change: p.Ser97Ala; replaces serine 97 with alanine.
Molecular consequence: missense variant. On other transcripts: intron variant (1).
Genome position (GRCh38, 1-based): chr2:86,254,708, A>C on the plus strand (T>G on the coding strand, the complement: REEP1 is on the minus strand). VCF-style: chr2-86254708-A-C. GRCh37 (hg19) VCF-style: chr2-86481831-A-C.
Other names: c.310T>G, p.Ser104Ala (NM_001164730.2); c.208T>G, p.Ser70Ala (NM_001164731.2); c.289T>G, p.Ser97Ala (NM_001371280.1, NM_022912.3); c.182+9257T>G (NM_001164732.2); short protein forms S104A, S97A, S70A.
Identifiers: ClinVar variation 840272 (VCV000840272.9), dbSNP rs1558891694, ClinGen allele CA347716991.
Genomic context (GRCh38, chr2:86,254,708, plus strand): 5'-TTTCTCACTTGCTAGAAAGAATGAAAGACATGGCAGCATATATTACCTTTTCTTTTGAAG[A>C]TAGCGTGGGATGTACAAACTTCCTGTACAGGAGGCTGGAGCCTTTTGTGTAGGGAGACAG-3'
Protein context (NP_001358208.1, residues 87-107): LYRKFVHPTL[Ser97Ala]SKEKEIDDCL